The following is an entry in ClinVar:

ClinVar aggregate classification (germline): Uncertain significance (1 of 4 stars; one submission).

Conditions:
Familial thoracic aortic aneurysm and aortic dissection (TAAD). Also called: Thoracic aortic aneurysms and dissections. Identifiers: Orphanet 91387, MedGen C4707243, MONDO:0019625.

Submission:

Ambry Genetics
Classification: Uncertain significance for Familial thoracic aortic aneurysm and aortic dissection. Last evaluated: 2026-01-24. Review status: criteria provided, single submitter. Criteria: Ambry Variant Classification Scheme 2023. Collection method: clinical testing. Allele origin: germline.
Comment: The p.S589N variant (also known as c.1766G>A), located in coding exon 14 of the MYH11 gene, results from a G to A substitution at nucleotide position 1766. The serine at codon 589 is replaced by asparagine, an amino acid with highly similar properties. This amino acid position is conserved. In addition, this alteration is predicted to be tolerated by in silico analysis. Based on the available evidence, the clinical significance of this variant remains unclear.

NM_002474.3(MYH11):c.1766G>A (p.Ser589Asn)

Gene: MYH11 (myosin heavy chain 11; minus strand). Cytogenetic location: 16p13.11.
Variant type: single nucleotide variant.
Coding change: c.1766G>A on transcript NM_002474.3 (MANE Select); coding-DNA position 1766, G replaced by A.
Protein change: p.Ser589Asn; replaces serine 589 with asparagine.
Molecular consequence: missense variant.
Genome position (GRCh38, 1-based): chr16:15,753,492, C>T on the plus strand (G>A on the coding strand, the complement: MYH11 is on the minus strand). VCF-style: chr16-15753492-C-T. GRCh37 (hg19) VCF-style: chr16-15847349-C-T.
Other names: c.1787G>A, p.Ser596Asn (NM_001040113.2, NM_001040114.2); c.1766G>A, p.Ser589Asn (NM_022844.3); short protein forms S596N, S589N.
Identifiers: ClinVar variation 4844338 (VCV004844338.1).
Genomic context (GRCh38, chr16:15,753,492, plus strand): 5'-GCATTGAGCAGGGAAGTCACGTTGTCATTCAGCGGGTCCATATTCTTGGTCAGCCAGGCA[C>T]TCGCATTATAGTCCACCTGCCAAGGACACCCTGCTGGTCAGAACCCCTGGGAAACTAGAA-3'
Protein context (NP_002465.1, residues 579-599): HYAGKVDYNA[Ser589Asn]AWLTKNMDPL